The following is an entry in ClinVar:

NM_001242896.3(DEPDC5):c.2470C>T (p.Pro824Ser)

Gene: DEPDC5 (DEP domain containing 5, GATOR1 subcomplex subunit; plus strand). Cytogenetic location: 22q12.3.
Variant type: single nucleotide variant.
Coding change: c.2470C>T on transcript NM_001242896.3 (MANE Select); coding-DNA position 2470, C replaced by T.
Protein change: p.Pro824Ser; replaces proline 824 with serine.
Molecular consequence: missense variant. On other transcripts: non-coding transcript variant (5).
Genome position (GRCh38, 1-based): chr22:31,838,800, C>T. VCF-style: chr22-31838800-C-T. GRCh37 (hg19) VCF-style: chr22-32234786-C-T.
Other names: c.2443C>T, p.Pro815Ser (NM_001136029.4, NM_001369903.1, NM_014662.6); c.2236C>T, p.Pro746Ser (NM_001242897.2, NM_001363854.2, NM_001364319.2); c.2470C>T, p.Pro824Ser (NM_001363852.2, NM_001364318.2, NM_001364320.2); c.2386C>T, p.Pro796Ser (NM_001369901.1, NM_001369902.1); short protein forms P746S, P796S, P815S, P824S.
Identifiers: ClinVar variation 1435717 (VCV001435717.6), dbSNP rs1357973408, ClinGen allele CA411287641.

ClinVar aggregate classification (germline): Uncertain significance (1 of 4 stars; one submission).

Conditions:
Familial focal epilepsy with variable foci (FPEVF). Identifiers: Orphanet 98820, MedGen C1858477, MONDO:0020310.

Allele frequency attached by ClinVar (database versions not stated): gnomAD exomes below 0.00001 and 0.00001.
gnomAD v4.1: 11 of 1,614,144 alleles (0.00068%); highest among the groups gnomAD compares: Non-Finnish European, 0.00093%; no homozygotes.

Submission:

Labcorp Genetics (formerly Invitae), Labcorp
Classification: Uncertain significance for Familial focal epilepsy with variable foci. Last evaluated: 2025-03-19. Review status: criteria provided, single submitter. Criteria: Invitae Variant Classification Sherloc (09022015). Collection method: clinical testing. Allele origin: germline.
Comment: This sequence change replaces proline, which is neutral and non-polar, with serine, which is neutral and polar, at codon 824 of the DEPDC5 protein (p.Pro824Ser). This variant is present in population databases (no rsID available, gnomAD 0.0009%). This variant has not been reported in the literature in individuals affected with DEPDC5-related conditions. ClinVar contains an entry for this variant (Variation ID: 1435717). An algorithm developed to predict the effect of missense changes on protein structure and function outputs the following: PolyPhen-2: "Not Available". The serine amino acid residue is found in multiple mammalian species, which suggests that this missense change does not adversely affect protein function. In summary, the available evidence is currently insufficient to determine the role of this variant in disease. Therefore, it has been classified as a Variant of Uncertain Significance.